The following is an entry in ClinVar:

ClinVar aggregate classification (germline): Uncertain significance (1 of 4 stars; one submission).

Submission:

Labcorp Genetics (formerly Invitae), Labcorp
Classification: Uncertain significance. Last evaluated: 2022-02-10. Review status: criteria provided, single submitter. Criteria: Invitae Variant Classification Sherloc (09022015). Collection method: clinical testing. Allele origin: germline.
Comment: In summary, the available evidence is currently insufficient to determine the role of this variant in disease. Therefore, it has been classified as a Variant of Uncertain Significance. Algorithms developed to predict the effect of missense changes on protein structure and function (SIFT, PolyPhen-2, Align-GVGD) all suggest that this variant is likely to be tolerated. This variant has not been reported in the literature in individuals affected with DEGS1-related conditions. This variant is not present in population databases (gnomAD no frequency). This sequence change replaces valine, which is neutral and non-polar, with isoleucine, which is neutral and non-polar, at codon 61 of the DEGS1 protein (p.Val61Ile).

NM_003676.4(DEGS1):c.181G>A (p.Val61Ile)

Gene: DEGS1 (delta 4-desaturase, sphingolipid 1; plus strand). Cytogenetic location: 1q42.11.
Variant type: single nucleotide variant.
Coding change: c.181G>A on transcript NM_003676.4 (MANE Select); coding-DNA position 181, G replaced by A.
Protein change: p.Val61Ile; replaces valine 61 with isoleucine.
Molecular consequence: missense variant.
Genome position (GRCh38, 1-based): chr1:224,189,675, G>A. VCF-style: chr1-224189675-G-A. GRCh37 (hg19) VCF-style: chr1-224377377-G-A.
Other names: c.181G>A, p.Val61Ile (NM_001321541.2); c.73G>A, p.Val25Ile (NM_001321542.2); short protein forms V25I, V61I.
Identifiers: ClinVar variation 1346765 (VCV001346765.8), dbSNP rs2102655946, ClinGen allele CA344708719.